The following is an entry in ClinVar:

NM_003924.4(PHOX2B):c.662C>T (p.Ala221Val)

Gene: PHOX2B (paired like homeobox 2B; minus strand). Cytogenetic location: 4p13.
Variant type: single nucleotide variant.
Coding change: c.662C>T on transcript NM_003924.4 (MANE Select); coding-DNA position 662, C replaced by T.
Protein change: p.Ala221Val; replaces alanine 221 with valine.
Molecular consequence: missense variant.
Genome position (GRCh38, 1-based): chr4:41,746,090, G>A on the plus strand (C>T on the coding strand, the complement: PHOX2B is on the minus strand). VCF-style: chr4-41746090-G-A. GRCh37 (hg19) VCF-style: chr4-41748107-G-A.
Other names: c.662C>T (NM_003924.3); short protein forms A221V.
Identifiers: ClinVar variation 1518070 (VCV001518070.7), dbSNP rs777194995, ClinGen allele CA2901460.

ClinVar aggregate classification (germline): Conflicting classifications of pathogenicity. Review status: criteria provided, conflicting classifications (1 of 4 stars). 2 submissions from 2 submitters: Uncertain significance (1); Likely benign (1). Last evaluated 2024-10-18.

Conditions:
Hereditary cancer-predisposing syndrome. Also called: Tumor predisposition; Neoplastic Syndromes, Hereditary; Hereditary neoplastic syndrome; Hereditary Cancer Syndrome. Identifiers: Orphanet 140162, MedGen C0027672, MeSH D009386, MONDO:0015356.
Haddad syndrome (OHD). Also called: Ondine-Hirschsprung disease. Identifiers: MedGen C1859049, MONDO:0020493, Orphanet 99803.

Allele frequency attached by ClinVar (database versions not stated): gnomAD exomes 0.00001 and 0.00002; ExAC 0.00004.

Submissions (2):

Ambry Genetics
Classification: Likely benign for Hereditary cancer-predisposing syndrome. Last evaluated: 2024-10-18. Review status: criteria provided, single submitter. Criteria: Ambry Variant Classification Scheme 2023. Collection method: clinical testing. Allele origin: germline.

Labcorp Genetics (formerly Invitae), Labcorp
Classification: Uncertain significance for Haddad syndrome. Last evaluated: 2021-10-07. Review status: criteria provided, single submitter. Criteria: Invitae Variant Classification Sherloc (09022015). Collection method: clinical testing. Allele origin: germline.
Comment: Algorithms developed to predict the effect of missense changes on protein structure and function are either unavailable or do not agree on the potential impact of this missense change (SIFT: "Tolerated"; PolyPhen-2: "Not Available"; Align-GVGD: "Class C0"). This variant has not been reported in the literature in individuals affected with PHOX2B-related conditions. This variant is present in population databases (rs777194995, ExAC 0.007%). This sequence change replaces alanine with valine at codon 221 of the PHOX2B protein (p.Ala221Val). The alanine residue is moderately conserved and there is a small physicochemical difference between alanine and valine. Algorithms developed to predict the effect of sequence changes on RNA splicing suggest that this variant may create or strengthen a splice site. In summary, the available evidence is currently insufficient to determine the role of this variant in disease. Therefore, it has been classified as a Variant of Uncertain Significance.